The following is an entry in ClinVar:

ClinVar aggregate classification (germline): Uncertain significance (1 of 4 stars; one submission).

Conditions:
Congenital sideroblastic anemia-B-cell immunodeficiency-periodic fever-developmental delay syndrome. Also called: Sideroblastic anemia with B-cell immunodeficiency, periodic fevers, and developmental delay. Identifiers: Orphanet 369861, MedGen C4015172, MONDO:0014487, OMIM 616084.

gnomAD v4.1: 1 of 1,613,466 alleles (0.000062%); highest among the groups gnomAD compares: Non-Finnish European, 0.000085%; no homozygotes.

Submission:

Labcorp Genetics (formerly Invitae), Labcorp
Classification: Uncertain significance for Congenital sideroblastic anemia-B-cell immunodeficiency-periodic fever-developmental delay syndrome. Last evaluated: 2021-04-18. Review status: criteria provided, single submitter. Criteria: Invitae Variant Classification Sherloc (09022015). Collection method: clinical testing. Allele origin: germline.
Comment: Algorithms developed to predict the effect of missense changes on protein structure and function are either unavailable or do not agree on the potential impact of this missense change (SIFT: "Deleterious"; PolyPhen-2: "Benign"; Align-GVGD: "Class C15"). In summary, the available evidence is currently insufficient to determine the role of this variant in disease. Therefore, it has been classified as a Variant of Uncertain Significance. This sequence change replaces asparagine with isoleucine at codon 272 of the TRNT1 protein (p.Asn272Ile). The asparagine residue is moderately conserved and there is a large physicochemical difference between asparagine and isoleucine. This variant is not present in population databases (ExAC no frequency). This variant has not been reported in the literature in individuals with TRNT1-related conditions.

NM_182916.3(TRNT1):c.815A>T (p.Asn272Ile)

Gene: TRNT1 (tRNA nucleotidyl transferase 1; plus strand). Cytogenetic location: 3p26.2.
Variant type: single nucleotide variant.
Coding change: c.815A>T on transcript NM_182916.3 (MANE Select); coding-DNA position 815, A replaced by T.
Protein change: p.Asn272Ile; replaces asparagine 272 with isoleucine.
Molecular consequence: missense variant. On other transcripts: non-coding transcript variant (8).
Genome position (GRCh38, 1-based): chr3:3,147,462, A>T. VCF-style: chr3-3147462-A-T. GRCh37 (hg19) VCF-style: chr3-3189146-A-T.
Other names: c.755A>T, p.Asn252Ile (NM_001302946.2); c.815A>T, p.Asn272Ile (NM_001367321.1, NM_001367322.1, NM_001367323.1); short protein forms N252I, N272I.
Identifiers: ClinVar variation 1449875 (VCV001449875.8), dbSNP rs2126036638, ClinGen allele CA351447367.